The following is an entry in ClinVar:

NM_181882.3(PRX):c.3566del (p.Gln1189fs)

Gene: PRX (periaxin; minus strand). Cytogenetic location: 19q13.2.
Variant type: Deletion.
Coding change: c.3566del on transcript NM_181882.3 (MANE Select); coding-DNA position 3566, one base deleted (A; older notation c.3566delA).
Protein change: p.Gln1189fs; shifts the reading frame from glutamine 1189.
Molecular consequence: frameshift variant. On other transcripts: 3 prime UTR variant (1).
Genome position (GRCh38, 1-based): chr19:40,394,786, T deleted on the plus strand (A on the coding strand, the reverse complement: PRX is on the minus strand). VCF-style (leftmost placement, unchanged base first): chr19-40394785-CT-C. GRCh37 (hg19) VCF-style: chr19-40900692-CT-C.
Other names: c.3851del, p.Gln1284fs (NM_001411127.1); c.*3771del (NM_020956.2); short protein forms Q1284fs, Q1189fs.
Identifiers: ClinVar variation 3632462 (VCV003632462.2).

ClinVar aggregate classification (germline): Likely pathogenic (1 of 4 stars; one submission).

Conditions:
Charcot-Marie-Tooth disease type 4. Also called: Charcot-Marie-Tooth disease, type IV; Charcot-Marie-Tooth, Type 4. Identifiers: Orphanet 64749, MedGen C4082197, MONDO:0018995.

Submission:

Labcorp Genetics (formerly Invitae), Labcorp
Classification: Likely pathogenic for Charcot-Marie-Tooth disease type 4. Last evaluated: 2025-04-08. Review status: criteria provided, single submitter. Criteria: Invitae Variant Classification Sherloc (09022015). Collection method: clinical testing. Allele origin: germline.
Comment: This sequence change creates a premature translational stop signal (p.Gln1189Argfs*2) in the PRX gene. While this is not anticipated to result in nonsense mediated decay, it is expected to disrupt the last 273 amino acid(s) of the PRX protein. This variant is not present in population databases (gnomAD no frequency). This variant has not been reported in the literature in individuals affected with PRX-related conditions. ClinVar contains an entry for this variant (Variation ID: 3632462). This variant disrupts the C-terminus of the PRX protein. Other variant(s) that disrupt this region (p.Glu1322Glyfs*3, p.Gly1258Thrfs*124, p.Glu1235*) have been observed in individuals with PRX-related conditions (PMID: 21840889, 24078732, 29858556). This suggests that this may be a clinically significant region of the protein. In summary, the currently available evidence indicates that the variant is pathogenic, but additional data are needed to prove that conclusively. Therefore, this variant has been classified as Likely Pathogenic.

Literature cited by the submitters: PubMed 21840889; PubMed 24078732; PubMed 29858556.